The following is an entry in ClinVar:

NM_005866.4(SIGMAR1):c.118G>A (p.Glu40Lys)

Genes: SIGMAR1 (sigma receptor chaperone 1; minus strand), LOC130001681 (ATAC-STARR-seq lymphoblastoid silent region 19853; plus strand). Cytogenetic location: 9p13.3.
Variant type: single nucleotide variant.
Coding change: c.118G>A on transcript NM_005866.4 (MANE Select); coding-DNA position 118, G replaced by A.
Protein change: p.Glu40Lys; replaces glutamic acid 40 with lysine.
Molecular consequence: missense variant. On other transcripts: 5 prime UTR variant (1), non-coding transcript variant (1), intron variant (1).
Genome position (GRCh38, 1-based): chr9:34,637,580, C>T on the plus strand (G>A on the coding strand, the complement: SIGMAR1 is on the minus strand). VCF-style: chr9-34637580-C-T. GRCh37 (hg19) VCF-style: chr9-34637577-C-T.
Other names: c.118G>A, p.Glu40Lys (NM_001282205.2, NM_001282208.2, NM_001282209.2 and 1 more transcripts); c.-136G>A (NM_001282206.2); c.91+27G>A (NM_001282207.2); short protein forms E40K.
Identifiers: ClinVar variation 1058624 (VCV001058624.9), dbSNP rs867727095, ClinGen allele CA373275508.

ClinVar aggregate classification (germline): Uncertain significance (1 of 4 stars; one submission).

Conditions:
Autosomal recessive distal spinal muscular atrophy 2. Also called: NEURONOPATHY, DISTAL HEREDITARY MOTOR, JERASH TYPE; NEUROPATHY, DISTAL HEREDITARY MOTOR, JERASH TYPE; SPINAL MUSCULAR ATROPHY, JERASH TYPE; NEUROPATHY, DISTAL HEREDITARY MOTOR, AUTOSOMAL RECESSIVE 2; Hereditary motor neuropathy, Jerash type; Motor neuropathy, distal, Jerash type. Identifiers: Orphanet 139552, MedGen C1854023, MONDO:0011585, OMIM 605726.
Amyotrophic lateral sclerosis type 16. Also called: AMYOTROPHIC LATERAL SCLEROSIS 16, JUVENILE. Identifiers: Orphanet 300605, MedGen C3280587, MONDO:0013715, OMIM 614373.

Submission:

Labcorp Genetics (formerly Invitae), Labcorp
Classification: Uncertain significance for Autosomal recessive distal spinal muscular atrophy 2; Amyotrophic lateral sclerosis type 16. Last evaluated: 2020-10-06. Review status: criteria provided, single submitter. Criteria: Invitae Variant Classification Sherloc (09022015). Collection method: clinical testing. Allele origin: germline.
Comment: In summary, the available evidence is currently insufficient to determine the role of this variant in disease. Therefore, it has been classified as a Variant of Uncertain Significance. Algorithms developed to predict the effect of missense changes on protein structure and function (SIFT, PolyPhen-2, Align-GVGD) all suggest that this variant is likely to be tolerated, but these predictions have not been confirmed by published functional studies and their clinical significance is uncertain. This variant has not been reported in the literature in individuals with SIGMAR1-related conditions. This variant is not present in population databases (ExAC no frequency). This sequence change replaces glutamic acid with lysine at codon 40 of the SIGMAR1 protein (p.Glu40Lys). The glutamic acid residue is highly conserved and there is a small physicochemical difference between glutamic acid and lysine.